The following is an entry in ClinVar:

NM_004656.4(BAP1):c.1688A>G (p.His563Arg)

Gene: BAP1 (BRCA1 associated deubiquitinase 1; minus strand). Cytogenetic location: 3p21.1.
Variant type: single nucleotide variant.
Coding change: c.1688A>G on transcript NM_004656.4 (MANE Select); coding-DNA position 1688, A replaced by G.
Protein change: p.His563Arg; replaces histidine 563 with arginine.
Molecular consequence: missense variant.
Genome position (GRCh38, 1-based): chr3:52,403,457, T>C on the plus strand (A>G on the coding strand, the complement: BAP1 is on the minus strand). VCF-style: chr3-52403457-T-C. GRCh37 (hg19) VCF-style: chr3-52437473-T-C.
Other names: c.1688A>G (NM_004656.2); short protein forms H563R.
Identifiers: ClinVar variation 928371 (VCV000928371.6), dbSNP rs1705037340, ClinGen allele CA353099839.

ClinVar aggregate classification (germline): Uncertain significance. Review status: criteria provided, multiple submitters, no conflicts (2 of 4 stars). 2 submissions from 2 submitters: Uncertain significance (2). Last evaluated 2023-12-04.

Conditions:
Hereditary cancer-predisposing syndrome. Also called: Neoplastic Syndromes, Hereditary; Hereditary Cancer Syndrome; Tumor predisposition; Hereditary neoplastic syndrome. Identifiers: Orphanet 140162, MedGen C0027672, MeSH D009386, MONDO:0015356.

Submissions (2):

Color Diagnostics, LLC DBA Color Health
Classification: Uncertain significance for Hereditary cancer-predisposing syndrome. Last evaluated: 2023-12-04. Review status: criteria provided, single submitter. Criteria: ACMG Guidelines, 2015. Collection method: clinical testing. Allele origin: germline.
Comment: This missense variant replaces histidine with arginine at codon 563 of the BAP1 protein. Computational prediction suggests that this variant may not impact protein structure and function (internally defined REVEL score threshold <= 0.5, PMID: 27666373). To our knowledge, functional studies have not been reported for this variant. This variant has not been reported in individuals affected with BAP1-related disorders in the literature. This variant has not been identified in the general population by the Genome Aggregation Database (gnomAD). The available evidence is insufficient to determine the role of this variant in disease conclusively. Therefore, this variant is classified as a Variant of Uncertain Significance.

Ambry Genetics
Classification: Uncertain significance for Hereditary cancer-predisposing syndrome. Last evaluated: 2022-12-15. Review status: criteria provided, single submitter. Criteria: Ambry Variant Classification Scheme 2023. Collection method: clinical testing. Allele origin: germline.
Comment: The p.H563R variant (also known as c.1688A>G), located in coding exon 13 of the BAP1 gene, results from an A to G substitution at nucleotide position 1688. The histidine at codon 563 is replaced by arginine, an amino acid with highly similar properties. This amino acid position is well conserved in available vertebrate species. In addition, the in silico prediction for this alteration is inconclusive. Since supporting evidence is limited at this time, the clinical significance of this alteration remains unclear.